The following is an entry in ClinVar:

ClinVar aggregate classification (germline): Uncertain significance (1 of 4 stars; one submission).

Allele frequency attached by ClinVar (database versions not stated): ExAC 0.00002.
gnomAD v4.1: 9 of 1,614,040 alleles (0.00056%); highest among the groups gnomAD compares: East Asian, 0.0022%; no homozygotes.

Submission:

Labcorp Genetics (formerly Invitae), Labcorp
Classification: Uncertain significance. Last evaluated: 2022-10-17. Review status: criteria provided, single submitter. Criteria: Invitae Variant Classification Sherloc (09022015). Collection method: clinical testing. Allele origin: germline.
Comment: This variant is present in population databases (rs753426697, gnomAD 0.006%). In summary, the available evidence is currently insufficient to determine the role of this variant in disease. Therefore, it has been classified as a Variant of Uncertain Significance. Advanced modeling of protein sequence and biophysical properties (such as structural, functional, and spatial information, amino acid conservation, physicochemical variation, residue mobility, and thermodynamic stability) performed at Invitae indicates that this missense variant is not expected to disrupt TMC1 protein function. This variant has not been reported in the literature in individuals affected with TMC1-related conditions. This sequence change replaces asparagine, which is neutral and polar, with serine, which is neutral and polar, at codon 312 of the TMC1 protein (p.Asn312Ser).

NM_138691.3(TMC1):c.935A>G (p.Asn312Ser)

Gene: TMC1 (transmembrane channel like 1; plus strand). Cytogenetic location: 9q21.13.
Variant type: single nucleotide variant.
Coding change: c.935A>G on transcript NM_138691.3 (MANE Select); coding-DNA position 935, A replaced by G.
Protein change: p.Asn312Ser; replaces asparagine 312 with serine.
Molecular consequence: missense variant.
Genome position (GRCh38, 1-based): chr9:72,788,389, A>G. VCF-style: chr9-72788389-A-G. GRCh37 (hg19) VCF-style: chr9-75403305-A-G.
Other names: short protein forms N312S.
Identifiers: ClinVar variation 1958161 (VCV001958161.5), dbSNP rs753426697, ClinGen allele CA5081833.